The following is an entry in ClinVar:

ClinVar aggregate classification (germline): Conflicting classifications of pathogenicity. Review status: criteria provided, conflicting classifications (1 of 4 stars). 2 submissions from 2 submitters: Likely pathogenic (1); Uncertain significance (1). Last evaluated 2023-07-10.

Conditions:
NFIX-related disorder. Also called: NFIX-related condition.

Submissions (2):

Blueprint Genetics
Classification: Likely pathogenic for NFIX-related disorders. Last evaluated: 2023-07-10. Review status: criteria provided, single submitter. Criteria: ACMG Guidelines, 2015. Collection method: clinical testing. Allele origin: germline. Affected: yes. Observed: 1 variant allele.

GeneDx
Classification: Uncertain significance. Last evaluated: 2022-11-08. Review status: criteria provided, single submitter. Criteria: GeneDx Variant Classification Process June 2021. Collection method: clinical testing. Allele origin: germline. Affected: yes.
Comment: Not observed at significant frequency in large population cohorts (gnomAD); In silico analysis supports that this missense variant has a deleterious effect on protein structure/function; Has not been previously published as pathogenic or benign to our knowledge

NM_001365902.3(NFIX):c.124A>G (p.Lys42Glu)

Gene: NFIX (nuclear factor I X; plus strand). Cytogenetic location: 19p13.13.
Variant type: single nucleotide variant.
Coding change: c.124A>G on transcript NM_001365902.3 (MANE Select); coding-DNA position 124, A replaced by G.
Protein change: p.Lys42Glu; replaces lysine 42 with glutamic acid.
Molecular consequence: missense variant. On other transcripts: 5 prime UTR variant (1).
Genome position (GRCh38, 1-based): chr19:13,025,117, A>G. VCF-style: chr19-13025117-A-G. GRCh37 (hg19) VCF-style: chr19-13135931-A-G.
Other names: c.148A>G, p.Lys50Glu (NM_001271043.2); c.100A>G, p.Lys34Glu (NM_001271044.3, NM_001378404.1); c.124A>G, p.Lys42Glu (NM_001365982.2, NM_002501.4); c.-18A>G (NM_001365983.2); c.121A>G, p.Lys41Glu (NM_001365984.2, NM_001365985.2); c.172A>G, p.Lys58Glu (NM_001378405.1); short protein forms K34E, K41E, K42E, K50E, K58E.
Identifiers: ClinVar variation 2501544 (VCV002501544.2), dbSNP rs2512743076, ClinGen allele CA404313111.
Genomic context (GRCh38, chr19:13,025,117, plus strand): 5'-CACGTCCGCGCTTTCTCCTACACCTGGTTCAACCTGCAGGCGCGGAAGCGCAAGTACTTC[A>G]AGAAGCATGAAAAGCGGATGTCGAAGGACGAGGAGCGGGCGGTGAAGGACGAGCTGCTGG-3'
Protein context (NP_001352831.1, residues 32-52): NLQARKRKYF[Lys42Glu]KHEKRMSKDE